The following is an entry in ClinVar:

NM_000426.4(LAMA2):c.6636_6637del (p.Gly2213fs)

Gene: LAMA2 (laminin subunit alpha 2; plus strand). Cytogenetic location: 6q22.33.
Variant type: Deletion.
Coding change: c.6636_6637del on transcript NM_000426.4 (MANE Select); coding-DNA positions 6636 to 6637, 2 bases deleted (TG; older notation c.6636_6637delTG).
Protein change: p.Gly2213fs; shifts the reading frame from glycine 2213.
Molecular consequence: frameshift variant.
Genome position (GRCh38, 1-based): chr6:129,454,217-129,454,218, TG deleted. VCF-style (leftmost placement, unchanged base first): chr6-129454216-CTG-C. GRCh37 (hg19) VCF-style: chr6-129775361-CTG-C.
Other names: c.6636_6637del, p.Gly2213fs (NM_001079823.2); short protein forms G2213fs.
Identifiers: ClinVar variation 1705493 (VCV001705493.1), dbSNP rs2533419273, ClinGen allele CA2580074988.

ClinVar aggregate classification (germline): Pathogenic (1 of 4 stars; one submission).

Conditions:
Merosin deficient congenital muscular dystrophy (MDC1A). Also called: Congenital merosin-deficient muscular dystrophy 1A; Congenital Muscular Dystrophy Type 1A (MDC1A). Identifiers: Orphanet 258, MedGen C1263858, MONDO:0011925, OMIM 607855.

Submission:

3billion
Classification: Pathogenic for Merosin deficient congenital muscular dystrophy. Last evaluated: 2022-09-01. Review status: criteria provided, single submitter. Criteria: ACMG Guidelines, 2015. Collection method: clinical testing. Allele origin: germline. Affected: yes. Observed: 1 homozygote.
Comment: The variant is not observed in the gnomAD v2.1.1 dataset. Frameshift variant is predicted to result in a loss or disruption of normal protein function through nonsense-mediated decay (NMD) or protein truncation. Multiple pathogenic variants are reported downstream of the variant. Therefore, this variant is classified as Pathogenic according to the recommendation of ACMG/AMP guideline.